The following is an entry in ClinVar:

NM_019023.5(PRMT7):c.1169G>A (p.Arg390Gln)

Gene: PRMT7 (protein arginine methyltransferase 7; plus strand). Cytogenetic location: 16q22.1.
Variant type: single nucleotide variant.
Coding change: c.1169G>A on transcript NM_019023.5 (MANE Select); coding-DNA position 1169, G replaced by A.
Protein change: p.Arg390Gln; replaces arginine 390 with glutamine.
Molecular consequence: missense variant. On other transcripts: non-coding transcript variant (12).
Genome position (GRCh38, 1-based): chr16:68,346,258, G>A. VCF-style: chr16-68346258-G-A. GRCh37 (hg19) VCF-style: chr16-68380161-G-A.
Other names: c.1019G>A, p.Arg340Gln (NM_001184824.4); c.1169G>A, p.Arg390Gln (NM_001290018.2, NM_001351143.3, NM_001351144.3 and 1 more transcripts); c.962G>A, p.Arg321Gln (NM_001378020.1); c.932G>A, p.Arg311Gln (NM_001378021.1, NM_001378022.1, NM_001378023.1); c.1169G>A (NM_019023.2); short protein forms R321Q, R311Q, R340Q, R390Q.
Identifiers: ClinVar variation 1407969 (VCV001407969.6), dbSNP rs772382705, ClinGen allele CA8127345.
Genomic context (GRCh38, chr16:68,346,258, plus strand): 5'-CTCACCTGCTCTGGAACCGGCCTCGGTTTGGAGAGATCAATGACCAGGACAGAACTGATC[G>A]ATACGTCCAGGCTCTGAGGACCGTAAGTGTCCAGCCCCTTGGCTTGTTGTGGGGAAAAGG-3'
Protein context (NP_061896.1, residues 380-400): GEINDQDRTD[Arg390Gln]YVQALRTVLK

ClinVar aggregate classification (germline): Conflicting classifications of pathogenicity. Review status: criteria provided, conflicting classifications (1 of 4 stars). 2 submissions from 2 submitters: Uncertain significance (1); Likely benign (1). Last evaluated 2022-01-14.

Conditions:
Inborn genetic diseases. Identifiers: MedGen C0950123, MeSH D030342.

Allele frequency attached by ClinVar (database versions not stated): gnomAD 0.00002; gnomAD exomes 0.00003 and 0.00012; TOPMed 0.00006; ExAC 0.00008.
gnomAD v4.1: 50 of 1,614,100 alleles (0.0031%); highest among the groups gnomAD compares: Admixed American, 0.048%; no homozygotes.

Submissions (2):

Labcorp Genetics (formerly Invitae), Labcorp
Classification: Uncertain significance. Last evaluated: 2022-01-14. Review status: criteria provided, single submitter. Criteria: Invitae Variant Classification Sherloc (09022015). Collection method: clinical testing. Allele origin: germline.
Comment: This sequence change replaces arginine, which is basic and polar, with glutamine, which is neutral and polar, at codon 390 of the PRMT7 protein (p.Arg390Gln). This variant is present in population databases (rs772382705, gnomAD 0.07%). This variant has not been reported in the literature in individuals affected with PRMT7-related conditions. Algorithms developed to predict the effect of missense changes on protein structure and function output the following: SIFT: "Tolerated"; PolyPhen-2: "Benign"; Align-GVGD: "Class C0". The glutamine amino acid residue is found in multiple mammalian species, which suggests that this missense change does not adversely affect protein function. In summary, the available evidence is currently insufficient to determine the role of this variant in disease. Therefore, it has been classified as a Variant of Uncertain Significance.

Ambry Genetics
Classification: Likely benign for Inborn genetic diseases. Last evaluated: 2021-11-09. Review status: criteria provided, single submitter. Criteria: Ambry Variant Classification Scheme 2023. Collection method: clinical testing. Allele origin: germline.